The following is an entry in ClinVar:

NM_002047.4(GARS1):c.1169T>C (p.Met390Thr)

Gene: GARS1 (glycyl-tRNA synthetase 1; plus strand). Cytogenetic location: 7p14.3.
Variant type: single nucleotide variant.
Coding change: c.1169T>C on transcript NM_002047.4 (MANE Select); coding-DNA position 1169, T replaced by C.
Protein change: p.Met390Thr; replaces methionine 390 with threonine.
Molecular consequence: missense variant.
Genome position (GRCh38, 1-based): chr7:30,616,033, T>C. VCF-style: chr7-30616033-T-C. GRCh37 (hg19) VCF-style: chr7-30655649-T-C.
Other names: c.1007T>C, p.Met336Thr (NM_001316772.1); short protein forms M390T, M336T.
Identifiers: ClinVar variation 3701031 (VCV003701031.2).

ClinVar aggregate classification (germline): Uncertain significance (1 of 4 stars; one submission).

Conditions:
Charcot-Marie-Tooth disease type 2. Also called: Charcot-Marie-Tooth type 2. Identifiers: Orphanet 64746, MedGen C0270914, MONDO:0018993.

gnomAD v4.1: 1 of 1,614,166 alleles (0.000062%); highest among the groups gnomAD compares: Non-Finnish European, 0.000085%; no homozygotes.

Submission:

Labcorp Genetics (formerly Invitae), Labcorp
Classification: Uncertain significance for Charcot-Marie-Tooth disease type 2. Last evaluated: 2024-09-08. Review status: criteria provided, single submitter. Criteria: Invitae Variant Classification Sherloc (09022015). Collection method: clinical testing. Allele origin: germline.
Comment: This sequence change replaces methionine, which is neutral and non-polar, with threonine, which is neutral and polar, at codon 390 of the GARS protein (p.Met390Thr). This variant is not present in population databases (gnomAD no frequency). This variant has not been reported in the literature in individuals affected with GARS-related conditions. Invitae Evidence Modeling of protein sequence and biophysical properties (such as structural, functional, and spatial information, amino acid conservation, physicochemical variation, residue mobility, and thermodynamic stability) indicates that this missense variant is not expected to disrupt GARS protein function with a negative predictive value of 80%. In summary, the available evidence is currently insufficient to determine the role of this variant in disease. Therefore, it has been classified as a Variant of Uncertain Significance.